The following is an entry in ClinVar:

NM_018124.4(RFWD3):c.26A>T (p.Asp9Val)

Gene: RFWD3 (ring finger and WD repeat domain 3; minus strand). Cytogenetic location: 16q23.1.
Variant type: single nucleotide variant.
Coding change: c.26A>T on transcript NM_018124.4 (MANE Select); coding-DNA position 26, A replaced by T.
Protein change: p.Asp9Val; replaces aspartic acid 9 with valine.
Molecular consequence: missense variant. On other transcripts: 5 prime UTR variant (4), intron variant (1).
Genome position (GRCh38, 1-based): chr16:74,661,424, T>A on the plus strand (A>T on the coding strand, the complement: RFWD3 is on the minus strand). VCF-style: chr16-74661424-T-A. GRCh37 (hg19) VCF-style: chr16-74695322-T-A.
Other names: c.26A>T, p.Asp9Val (NM_001370534.1, NM_001370535.1, NM_001370536.1); c.-983A>T (NM_001370537.1); c.-606A>T (NM_001370539.1); c.-860A>T (NM_001370542.1); c.-738A>T (NM_001370543.1); c.-317+3200A>T (NM_001370540.1); short protein forms D9V.
Identifiers: ClinVar variation 3662725 (VCV003662725.2).

ClinVar aggregate classification (germline): Uncertain significance (1 of 4 stars; one submission).

Submission:

Labcorp Genetics (formerly Invitae), Labcorp
Classification: Uncertain significance. Last evaluated: 2024-08-17. Review status: criteria provided, single submitter. Criteria: Invitae Variant Classification Sherloc (09022015). Collection method: clinical testing. Allele origin: germline.
Comment: This sequence change replaces aspartic acid, which is acidic and polar, with valine, which is neutral and non-polar, at codon 9 of the RFWD3 protein (p.Asp9Val). This variant is not present in population databases (gnomAD no frequency). This variant has not been reported in the literature in individuals affected with RFWD3-related conditions. An algorithm developed to predict the effect of missense changes on protein structure and function (PolyPhen-2) suggests that this variant is likely to be tolerated. Algorithms developed to predict the effect of sequence changes on RNA splicing suggest that this variant may disrupt the consensus splice site. In summary, the available evidence is currently insufficient to determine the role of this variant in disease. Therefore, it has been classified as a Variant of Uncertain Significance.